The following is an entry in ClinVar:

ClinVar aggregate classification (germline): Uncertain significance (1 of 4 stars; one submission).

Allele frequency attached by ClinVar (database versions not stated): gnomAD exomes below 0.00001.
gnomAD v4.1: 1 of 1,546,392 alleles (0.000065%); highest among the groups gnomAD compares: African/African-American, 0.0014%; no homozygotes.

Submission:

Labcorp Genetics (formerly Invitae), Labcorp
Classification: Uncertain significance. Last evaluated: 2023-11-22. Review status: criteria provided, single submitter. Criteria: Invitae Variant Classification Sherloc (09022015). Collection method: clinical testing. Allele origin: germline.
Comment: This sequence change replaces tyrosine, which is neutral and polar, with histidine, which is basic and polar, at codon 95 of the MYO7A protein (p.Tyr95His). This variant is not present in population databases (gnomAD no frequency). This variant has not been reported in the literature in individuals affected with MYO7A-related conditions. ClinVar contains an entry for this variant (Variation ID: 1513542). An algorithm developed to predict the effect of missense changes on protein structure and function (PolyPhen-2) suggests that this variant is likely to be disruptive. In summary, the available evidence is currently insufficient to determine the role of this variant in disease. Therefore, it has been classified as a Variant of Uncertain Significance.

NM_000260.4(MYO7A):c.283T>C (p.Tyr95His)

Gene: MYO7A (myosin VIIA; plus strand). Cytogenetic location: 11q13.5.
Variant type: single nucleotide variant.
Coding change: c.283T>C on transcript NM_000260.4 (MANE Select); coding-DNA position 283, T replaced by C.
Protein change: p.Tyr95His; replaces tyrosine 95 with histidine.
Molecular consequence: missense variant.
Genome position (GRCh38, 1-based): chr11:77,147,948, T>C. VCF-style: chr11-77147948-T-C. GRCh37 (hg19) VCF-style: chr11-76858994-T-C.
Other names: c.283T>C, p.Tyr95His (NM_001127180.2); c.250T>C, p.Tyr84His (NM_001369365.1); short protein forms Y84H, Y95H.
Identifiers: ClinVar variation 1513542 (VCV001513542.6), dbSNP rs2135708798, ClinGen allele CA381929462.